The following is an entry in ClinVar:

ClinVar aggregate classification (germline): Benign. Review status: criteria provided, multiple submitters, no conflicts (2 of 4 stars). 4 submissions from 4 submitters: Benign (4). Last evaluated 2026-02-03.

Conditions:
Congenital stationary night blindness 1E. Also called: Night blindness, congenital stationary (complete), 1E, autosomal recessive. Identifiers: Orphanet 215, MedGen C3281215, MONDO:0013807, OMIM 614565.

Allele frequency attached by ClinVar (database versions not stated): gnomAD exomes 0.12959; gnomAD 0.23920 and 0.24635; TOPMed 0.25196; 1000 Genomes Project 30x 0.26483.

Submissions (4):

Labcorp Genetics (formerly Invitae), Labcorp
Classification: Benign. Last evaluated: 2026-02-03. Review status: criteria provided, single submitter. Criteria: Invitae Variant Classification Sherloc (09022015). Collection method: clinical testing. Allele origin: germline.

Illumina Laboratory Services, Illumina
Classification: Benign for Congenital stationary night blindness 1E. Last evaluated: 2018-01-13. Review status: criteria provided, single submitter. Criteria: ICSL Variant Classification Criteria 13 December 2019. Collection method: clinical testing. Allele origin: germline.
Comment: This variant was observed in the ICSL laboratory as part of a predisposition screen in an ostensibly healthy population. It had not been previously curated by ICSL or reported in the Human Gene Mutation Database (HGMD: prior to June 1st, 2018), and was therefore a candidate for classification through an automated scoring system. Utilizing variant allele frequency, disease prevalence and penetrance estimates, and inheritance mode, an automated score was calculated to assess if this variant is too frequent to cause the disease. Based on the score and internal cut-off values, a variant classified as benign is not then subjected to further curation. The score for this variant resulted in a classification of benign for this disease.

Eurofins Ntd Llc (ga)
Classification: Benign. Last evaluated: 2015-01-05. Review status: criteria provided, single submitter. Criteria: EGL Classification Definitions 2015. Collection method: clinical testing. Allele origin: germline. Observed: 1 variant allele, 1 heterozygote.

Breakthrough Genomics
Classification: Benign. Review status: criteria provided, single submitter. Criteria: ACMG Guidelines, 2015. Collection method: not provided. Allele origin: germline. Inheritance: Autosomal recessive inheritance. Affected: yes.

NM_001004334.4(GPR179):c.909= (p.Val303=)

Gene: GPR179 (G protein-coupled receptor 179; minus strand). Cytogenetic location: 17q12.
Variant type: single nucleotide variant.
Coding change: c.909= on transcript NM_001004334.4 (MANE Select); coding-DNA position 909, no change from the reference sequence.
Protein change: p.Val303=; no amino-acid change (valine 303 retained).
Molecular consequence: no sequence alteration.
Genome position: GRCh38 VCF-style: chr17-38337715-G-G. GRCh37 (hg19) VCF-style: chr17-36493598-A-G.
Identifiers: ClinVar variation 196294 (VCV000196294.20), dbSNP rs9894059.
Genomic context (GRCh38, chr17:38,337,715, plus strand): 5'-GAATCCAGGTCGGCAGCGGCAGAGGTAGCGGCCAAGAACAAAGCCCTGACTCTCCAGGGG[G=]ACACACTATGGGGACAACAAACACAGTATGTGTTTATGTGGGGCTTTCTCTGGAAGAGCT-3'
Protein context (NP_001004334.3, residues 293-313): HLCDLNSTQC[Val303=]PLESQGFVLG